The following is an entry in ClinVar:

ClinVar aggregate classification (germline): Uncertain significance (1 of 4 stars; one submission).

Allele frequency attached by ClinVar (database versions not stated): gnomAD exomes below 0.00001.
gnomAD v4.1: 2 of 1,603,414 alleles (0.00012%); highest among the groups gnomAD compares: Admixed American, 0.0035%; no homozygotes.

Submission:

Labcorp Genetics (formerly Invitae), Labcorp
Classification: Uncertain significance. Last evaluated: 2024-08-20. Review status: criteria provided, single submitter. Criteria: Invitae Variant Classification Sherloc (09022015). Collection method: clinical testing. Allele origin: germline.
Comment: This sequence change replaces glutamic acid, which is acidic and polar, with lysine, which is basic and polar, at codon 221 of the TNNI3K protein (p.Glu221Lys). This variant is not present in population databases (gnomAD no frequency). This variant has not been reported in the literature in individuals affected with TNNI3K-related conditions. ClinVar contains an entry for this variant (Variation ID: 2176643). Invitae Evidence Modeling of protein sequence and biophysical properties (such as structural, functional, and spatial information, amino acid conservation, physicochemical variation, residue mobility, and thermodynamic stability) indicates that this missense variant is not expected to disrupt TNNI3K protein function with a negative predictive value of 80%. In summary, the available evidence is currently insufficient to determine the role of this variant in disease. Therefore, it has been classified as a Variant of Uncertain Significance.

NM_015978.3(TNNI3K):c.661G>A (p.Glu221Lys)

Genes: TNNI3K (TNNI3 interacting kinase; plus strand), FPGT-TNNI3K (FPGT-TNNI3K readthrough; plus strand). Cytogenetic location: 1p31.1.
Variant type: single nucleotide variant.
Coding change: c.661G>A on transcript NM_015978.3 (MANE Select); coding-DNA position 661, G replaced by A.
Protein change: p.Glu221Lys; replaces glutamic acid 221 with lysine.
Molecular consequence: missense variant.
Genome position (GRCh38, 1-based): chr1:74,336,128, G>A. VCF-style: chr1-74336128-G-A. GRCh37 (hg19) VCF-style: chr1-74801812-G-A.
Other names: c.964G>A, p.Glu322Lys (NM_001112808.3, NM_001199327.2); short protein forms E322K, E221K.
Identifiers: ClinVar variation 2176643 (VCV002176643.4), dbSNP rs2524333267, ClinGen allele CA340780622.
Genomic context (GRCh38, chr1:74,336,128, plus strand): 5'-GATAGACCCCTCCACCTAGCATCTGCAAAAGGATTCTTGAATATTGCAAAACTCTTGATG[G>A]AAGAAGGCAGCAAAGCAGATGGTAAGATTATATATTTAAAAGACCTTTGCTATCATTTGC-3'
Protein context (NP_057062.1, residues 211-231): GFLNIAKLLM[Glu221Lys]EGSKADVNAQ